The following is an entry in ClinVar:

ClinVar aggregate classification (germline): Conflicting classifications of pathogenicity. Review status: criteria provided, conflicting classifications (1 of 4 stars). 4 submissions from 4 submitters: Uncertain significance (3); Likely benign (1). Last evaluated 2026-09-01.

Conditions:
Rubinstein-Taybi syndrome (RSTS). Identifiers: Orphanet 783, MedGen C0035934, MONDO:0019188.
CREBBP-related disorder. Also called: CREBBP-related disorders; CREBBP-related condition.

Allele frequency attached by ClinVar (database versions not stated): gnomAD 0.00003 and 0.00004; ESP Exome Variant Server 0.00015.
gnomAD v4.1: 71 of 1,613,190 alleles (0.0044%); highest among the groups gnomAD compares: Non-Finnish European, 0.0054%; no homozygotes.

Submissions (4):

CeGaT Center for Human Genetics Tuebingen
Classification: Uncertain significance. Last evaluated: 2026-09-01. Review status: criteria provided, single submitter. Criteria: CeGaT Center For Human Genetics Tuebingen Variant Classification Criteria Version 2. Collection method: clinical testing. Allele origin: germline. Affected: yes. Observed: 2 variant alleles.
Comment: CREBBP: PP2

PreventionGenetics, part of Exact Sciences
Classification: Uncertain significance for CREBBP-related condition. Last evaluated: 2025-04-09. Review status: criteria provided, single submitter. Criteria: ACMG Guidelines, 2015. Collection method: clinical testing. Allele origin: germline.
Comment: The CREBBP c.2668A>C variant is predicted to result in the amino acid substitution p.Thr890Pro. To our knowledge, this variant has not been reported in the literature. This variant is reported in 0.0023% of alleles in individuals of European (non-Finnish) descent in gnomAD, which is more common than expected for a primary cause of CREBBP-related disease. Although we suspect this variant may be benign, at this time the clinical significance is uncertain due to the absence of conclusive functional and genetic evidence.

Labcorp Genetics (formerly Invitae), Labcorp
Classification: Likely benign for Rubinstein-Taybi syndrome. Last evaluated: 2023-12-18. Review status: criteria provided, single submitter. Criteria: Invitae Variant Classification Sherloc (09022015). Collection method: clinical testing. Allele origin: germline.

Breakthrough Genomics
Classification: Uncertain significance. Review status: criteria provided, single submitter. Criteria: ACMG Guidelines, 2015. Collection method: not provided. Allele origin: germline. Inheritance: Autosomal dominant inheritance. Affected: yes.

NM_004380.3(CREBBP):c.2668A>C (p.Thr890Pro)

Gene: CREBBP (CREB binding lysine acetyltransferase; minus strand). Cytogenetic location: 16p13.3.
Variant type: single nucleotide variant.
Coding change: c.2668A>C on transcript NM_004380.3 (MANE Select); coding-DNA position 2668, A replaced by C.
Protein change: p.Thr890Pro; replaces threonine 890 with proline.
Molecular consequence: missense variant.
Genome position (GRCh38, 1-based): chr16:3,770,782, T>G on the plus strand (A>C on the coding strand, the complement: CREBBP is on the minus strand). VCF-style: chr16-3770782-T-G. GRCh37 (hg19) VCF-style: chr16-3820783-T-G.
Other names: c.2668A>C (NM_004380.2); c.2554A>C, p.Thr852Pro (NM_001079846.1); short protein forms T852P, T890P.
Identifiers: ClinVar variation 1675612 (VCV001675612.38), dbSNP rs370012973, ClinGen allele CA7870053.